The following is an entry in ClinVar:

ClinVar aggregate classification (germline): Conflicting classifications of pathogenicity. Review status: criteria provided, conflicting classifications (1 of 4 stars). 3 submissions from 3 submitters: Uncertain significance (1); Likely benign (2). Last evaluated 2025-09-23.

Conditions:
Inborn genetic diseases. Identifiers: MedGen C0950123, MeSH D030342.

Allele frequency attached by ClinVar (database versions not stated): ExAC 0.00003; gnomAD exomes 0.00007; gnomAD 0.00009; TOPMed 0.00011; 1000 Genomes Project 30x 0.00016; 1000 Genomes Project 0.00020.
gnomAD v4.1: 204 of 1,592,278 alleles (0.013%); highest among the groups gnomAD compares: Non-Finnish European, 0.016%; no homozygotes.

Submissions (3):

Labcorp Genetics (formerly Invitae), Labcorp
Classification: Uncertain significance. Last evaluated: 2025-09-23. Review status: criteria provided, single submitter. Criteria: Invitae Variant Classification Sherloc (09022015). Collection method: clinical testing. Allele origin: germline.
Comment: This sequence change replaces threonine, which is neutral and polar, with methionine, which is neutral and non-polar, at codon 397 of the GRIN2D protein (p.Thr397Met). This variant is present in population databases (rs150870505, gnomAD 0.01%). This variant has not been reported in the literature in individuals affected with GRIN2D-related conditions. ClinVar contains an entry for this variant (Variation ID: 1423970). Invitae Evidence Modeling of protein sequence and biophysical properties (such as structural, functional, and spatial information, amino acid conservation, physicochemical variation, residue mobility, and thermodynamic stability) indicates that this missense variant is not expected to disrupt GRIN2D protein function with a negative predictive value of 80%. In summary, the available evidence is currently insufficient to determine the role of this variant in disease. Therefore, it has been classified as a Variant of Uncertain Significance.

Blueprint Genetics
Classification: Likely benign. Last evaluated: 2024-11-18. Review status: criteria provided, single submitter. Criteria: ACMG Guidelines, 2015. Collection method: clinical testing. Allele origin: germline.

Ambry Genetics
Classification: Likely benign for Inborn genetic diseases. Last evaluated: 2023-12-05. Review status: criteria provided, single submitter. Criteria: Ambry Variant Classification Scheme 2023. Collection method: clinical testing. Allele origin: germline.

NM_000836.4(GRIN2D):c.1190C>T (p.Thr397Met)

Gene: GRIN2D (glutamate ionotropic receptor NMDA type subunit 2D; plus strand). Cytogenetic location: 19q13.33.
Variant type: single nucleotide variant.
Coding change: c.1190C>T on transcript NM_000836.4 (MANE Select); coding-DNA position 1190, C replaced by T.
Protein change: p.Thr397Met; replaces threonine 397 with methionine.
Molecular consequence: missense variant.
Genome position (GRCh38, 1-based): chr19:48,414,095, C>T. VCF-style: chr19-48414095-C-T. GRCh37 (hg19) VCF-style: chr19-48917352-C-T.
Other names: c.1190C>T (NM_000836.2); short protein forms T397M.
Identifiers: ClinVar variation 1423970 (VCV001423970.8), dbSNP rs150870505, ClinGen allele CA9550481.
Genomic context (GRCh38, chr19:48,414,095, plus strand): 5'-ATGAGGACGGCTTCCTAGTGAACCCCTCCCTGGTGGTCATCTCCCTCACCAGAGACAGGA[C>T]GTGGGAGGTGGTGAGTCGTAGCCCCAGACCTCAGGCATGGCAGAGGGTGTGGACTCCTGC-3'
Protein context (NP_000827.2, residues 387-407): LVVISLTRDR[Thr397Met]WEVVGSWEQQ